The following is an entry in ClinVar:

NM_001370658.1(BTD):c.1352G>C (p.Cys451Ser)

Gene: BTD (biotinidase; plus strand). Cytogenetic location: 3p25.1.
Variant type: single nucleotide variant.
Coding change: c.1352G>C on transcript NM_001370658.1 (MANE Select); coding-DNA position 1352, G replaced by C.
Protein change: p.Cys451Ser; replaces cysteine 451 with serine.
Molecular consequence: missense variant. On other transcripts: intron variant (8).
Genome position (GRCh38, 1-based): chr3:15,645,268, G>C. VCF-style: chr3-15645268-G-C. GRCh37 (hg19) VCF-style: chr3-15686775-G-C.
Other names: c.1352G>C, p.Cys451Ser (NM_001407375.1, NM_001407376.1, NM_001407377.1 and 16 more transcripts); c.1015+337G>C (NM_001370752.1, NM_001407379.1); c.399+3211G>C (NM_001370753.1, NM_001407400.1, NM_001407380.1 and 3 more transcripts); short protein forms C451S.
Identifiers: ClinVar variation 3776288 (VCV003776288.1).
Genomic context (GRCh38, chr3:15,645,268, plus strand): 5'-GCACTTACTACATCCAAGTGTGTGCCCTGGTCAGGTGTGGGGGTCTTGGCTTCGACACCT[G>C]TGGACAGGAAATCACAGAGGCCACGGGGATATTTGAGTTTCACCTGTGGGGCAACTTCAG-3'
Protein context (NP_001357587.1, residues 441-461): VRCGGLGFDT[Cys451Ser]GQEITEATGI

ClinVar aggregate classification (germline): Uncertain significance (1 of 4 stars; one submission).

Conditions:
Biotinidase deficiency. Also called: BTD deficiency; Late-onset biotin-responsive multiple carboxylase deficiency; Biotin deficiency. Identifiers: Orphanet 79241, MedGen C0220754, MONDO:0009665, OMIM 253260.

Submission:

3billion
Classification: Uncertain significance for Biotinidase deficiency. Last evaluated: 2023-07-27. Review status: criteria provided, single submitter. Criteria: ACMG Guidelines, 2015. Collection method: clinical testing. Allele origin: germline. Affected: yes.
Comment: The variant is not observed in the gnomAD v2.1.1 dataset. Predicted Consequence/Location: Missense variant In silico tool predictions suggest damaging effect of the variant on gene or gene product (REVEL: 0.92; 3Cnet: 0.98). Different missense changes at the same codon (p.Cys451Phe, p.Cys451Tyr) have been reported to be associated with BTD-related disorder (ClinVar ID: VCV002504647 /PMID: 29359854). However, the evidence of pathogenicity is insufficient at this time. Therefore, this variant is classified as VUS according to the recommendation of ACMG/AMP guideline.

Literature cited by the submitters: PubMed 29359854.